The following is an entry in ClinVar:

ClinVar aggregate classification (germline): Uncertain significance (1 of 4 stars; one submission).

Conditions:
Autosomal dominant Parkinson disease 8. Also called: Parkinson disease 8, susceptibility to; LRRK2-Related Parkinson Disease; Parkinson disease 8. Identifiers: Orphanet 411602, MedGen C1846862, MONDO:0011764, OMIM 607060.

gnomAD v4.1: 4 of 1,613,844 alleles (0.00025%); highest among the groups gnomAD compares: East Asian, 0.0022%; no homozygotes.

Submission:

Labcorp Genetics (formerly Invitae), Labcorp
Classification: Uncertain significance for Autosomal dominant Parkinson disease 8. Last evaluated: 2025-04-04. Review status: criteria provided, single submitter. Criteria: Invitae Variant Classification Sherloc (09022015). Collection method: clinical testing. Allele origin: germline.
Comment: This sequence change replaces arginine, which is basic and polar, with glutamine, which is neutral and polar, at codon 772 of the LRRK2 protein (p.Arg772Gln). This variant is not present in population databases (gnomAD no frequency). This variant has not been reported in the literature in individuals affected with LRRK2-related conditions. Invitae Evidence Modeling of protein sequence and biophysical properties (such as structural, functional, and spatial information, amino acid conservation, physicochemical variation, residue mobility, and thermodynamic stability) has been performed for this missense variant. However, the output from this modeling did not meet the statistical confidence thresholds required to predict the impact of this variant on LRRK2 protein function. In summary, the available evidence is currently insufficient to determine the role of this variant in disease. Therefore, it has been classified as a Variant of Uncertain Significance.

NM_198578.4(LRRK2):c.2315G>A (p.Arg772Gln)

Gene: LRRK2 (leucine rich repeat kinase 2; plus strand). Cytogenetic location: 12q12.
Variant type: single nucleotide variant.
Coding change: c.2315G>A on transcript NM_198578.4 (MANE Select); coding-DNA position 2315, G replaced by A.
Protein change: p.Arg772Gln; replaces arginine 772 with glutamine.
Molecular consequence: missense variant.
Genome position (GRCh38, 1-based): chr12:40,283,948, G>A. VCF-style: chr12-40283948-G-A. GRCh37 (hg19) VCF-style: chr12-40677750-G-A.
Other names: short protein forms R772Q.
Identifiers: ClinVar variation 4752092 (VCV004752092.1).